The following is an entry in ClinVar:

NM_001377.3(DYNC2H1):c.3157A>G (p.Lys1053Glu)

Gene: DYNC2H1 (dynein cytoplasmic 2 heavy chain 1; plus strand). Cytogenetic location: 11q22.3.
Variant type: single nucleotide variant.
Coding change: c.3157A>G on transcript NM_001377.3 (MANE Select); coding-DNA position 3157, A replaced by G.
Protein change: p.Lys1053Glu; replaces lysine 1053 with glutamic acid.
Molecular consequence: missense variant.
Genome position (GRCh38, 1-based): chr11:103,153,363, A>G. VCF-style: chr11-103153363-A-G. GRCh37 (hg19) VCF-style: chr11-103024092-A-G.
Other names: c.3157A>G, p.Lys1053Glu (NM_001080463.2); short protein forms K1053E.
Identifiers: ClinVar variation 4796744 (VCV004796744.1).
Genomic context (GRCh38, chr11:103,153,363, plus strand): 5'-ATTGAAGTGATGAAAGGAAATGTGAAATCACGTCTTCAGATCTATTATCAAGAACTGGAA[A>G]AATTTAAAGCTCGTTGGGACCAACTAAAGCCTGGTGATGATGTTATTGAAACTGGCCAAC-3'
Protein context (NP_001368.2, residues 1043-1063): RLQIYYQELE[Lys1053Glu]FKARWDQLKP

ClinVar aggregate classification (germline): Likely benign (1 of 4 stars; one submission).

Conditions:
Asphyxiating thoracic dystrophy 3. Also called: POLYDACTYLY WITH NEONATAL CHONDRODYSTROPHY, TYPE I; SHORT-RIB THORACIC DYSPLASIA 3/6 WITH POLYDACTYLY, DIGENIC; SHORT-RIB THORACIC DYSPLASIA 3 WITH OR WITHOUT POLYDACTYLY; Short rib polydactyly syndrome 2B; Saldino-Noonan Syndrome. Identifiers: Orphanet 474, Orphanet 93269, Orphanet 93270, Orphanet 93271, MedGen C0036069, MONDO:0013127, OMIM 613091.

gnomAD v4.1: 2 of 1,548,674 alleles (0.00013%); highest among the groups gnomAD compares: South Asian, 0.0024%; no homozygotes.

Submission:

Centre for Medical Genetics,  Mumbai
Classification: Likely benign for Asphyxiating thoracic dystrophy 3. Last evaluated: 2026-02-23. Review status: criteria provided, single submitter. Criteria: ACMG Guidelines, 2015. Collection method: provider interpretation. Allele origin: germline. Inheritance: Autosomal recessive inheritance. Affected: no. Observed: 1 homozygote.
Comment: The variant satisfies PM2 criteria; Extremely low frequency in gnomAD population databases. However, the variant satisfies BS2 criteria; present in homozygous state in an individual that clinically does not have Short-rib thoracic dysplasia 3 with or without polydactyly.

Literature cited by the submitters: PubMed 19442771.